The following is an entry in ClinVar:

NM_138694.4(PKHD1):c.8208G>A (p.Trp2736Ter)

Gene: PKHD1 (PKHD1 ciliary IPT domain containing fibrocystin/polyductin; minus strand). Cytogenetic location: 6p12.2.
Variant type: single nucleotide variant.
Coding change: c.8208G>A on transcript NM_138694.4 (MANE Select); coding-DNA position 8208, G replaced by A.
Protein change: p.Trp2736Ter; replaces tryptophan 2736 with a stop codon.
Molecular consequence: nonsense.
Genome position (GRCh38, 1-based): chr6:51,830,955, C>T on the plus strand (G>A on the coding strand, the complement: PKHD1 is on the minus strand). VCF-style: chr6-51830955-C-T. GRCh37 (hg19) VCF-style: chr6-51695753-C-T.
Other names: c.8208G>A (NM_138694.3); c.8208G>A, p.Trp2736Ter (NM_170724.3); short protein forms W2736*.
Identifiers: ClinVar variation 1391134 (VCV001391134.8), dbSNP rs2151512054, ClinGen allele CA364423814.
Genomic context (GRCh38, chr6:51,830,955, plus strand): 5'-AATGGTATTGTTGTATCCTCCCCAGCCTTCTTCAACACCTTGCCATGTTTCAGGGAGGGA[C>T]CATTTTAAAGCTGATTCAGGGGCAGAGGTAGAAGCTAGAAAATAAAAAAAAATTTTGAAA-3'

ClinVar aggregate classification (germline): Pathogenic. Review status: criteria provided, multiple submitters, no conflicts (2 of 4 stars). 3 submissions from 3 submitters: Pathogenic (3). Last evaluated 2025-11-04.

Conditions:
Polycystic kidney disease 4 (PKD4). Also called: PKD3; POLYCYSTIC KIDNEY AND HEPATIC DISEASE 1; POLYCYSTIC KIDNEY DISEASE, INFANTILE, TYPE I; POLYCYSTIC KIDNEY DISEASE 4 WITH OR WITHOUT POLYCYSTIC LIVER DISEASE; Autosomal Recessive Polycystic Kidney Disease – PKHD1. Identifiers: MedGen C4540575, MONDO:0033004, OMIM 263200.
Autosomal recessive polycystic kidney disease (ARPKD). Also called: AR polycystic kidney disease. Identifiers: Orphanet 731, Orphanet 8378, MedGen C0085548, MeSH D017044, MONDO:0009889.

gnomAD v4.1: 1 of 1,611,946 alleles (0.000062%); highest among the groups gnomAD compares: Non-Finnish European, 0.000085%; no homozygotes.

Submissions (3):

Natera, Inc.
Classification: Pathogenic for Autosomal recessive polycystic kidney disease. Last evaluated: 2025-11-04. Review status: criteria provided, single submitter. Criteria: Natera Variant Classification Schema (03/2026). Collection method: clinical testing. Allele origin: germline.
Comment: The c.8208G>A variant in PKHD1 is a nonsense variant predicted to introduce a stop codon at amino acid 2736. This variant is expected to result in nonsense mediated decay, truncation, or a dysfunctional protein product. This variant is rare in the general population with a frequency below the threshold expected for the associated phenotype(s). This variant has been observed in one or more individuals affected with the associated recessive disease, as either homozygous or compound heterozygous with a second variant (PMID: 32384486). Given the available evidence, this variant is classified as Pathogenic.

Labcorp Genetics (formerly Invitae), Labcorp
Classification: Pathogenic for Autosomal recessive polycystic kidney disease. Last evaluated: 2023-11-06. Review status: criteria provided, single submitter. Criteria: Invitae Variant Classification Sherloc (09022015). Collection method: clinical testing. Allele origin: germline.
Comment: This sequence change creates a premature translational stop signal (p.Trp2736*) in the PKHD1 gene. It is expected to result in an absent or disrupted protein product. Loss-of-function variants in PKHD1 are known to be pathogenic (PMID: 19940839). This variant is not present in population databases (gnomAD no frequency). This premature translational stop signal has been observed in individual(s) with autosomal recessive polycystic kidney disease (PMID: 32384486). ClinVar contains an entry for this variant (Variation ID: 1391134). For these reasons, this variant has been classified as Pathogenic.

Fulgent Genetics
Classification: Pathogenic for Polycystic kidney disease 4. Last evaluated: 2021-12-04. Review status: criteria provided, single submitter. Criteria: ACMG Guidelines, 2015. Collection method: clinical testing. Allele origin: unknown.

Literature cited by the submitters: PubMed 32384486 (cited by Natera, Inc. and Labcorp Genetics (formerly Invitae), Labcorp); PubMed 19940839 (cited by Labcorp Genetics (formerly Invitae), Labcorp).